The following is an entry in ClinVar:

ClinVar aggregate classification (germline): Benign/Likely benign. Review status: criteria provided, multiple submitters, no conflicts (2 of 4 stars). 4 submissions from 4 submitters: Benign (1); Likely benign (3). Last evaluated 2024-07-04.

Conditions:
MEGF8-related Carpenter syndrome. Also called: Carpenter syndrome 2. Identifiers: Orphanet 65759, MedGen C3554247, MONDO:0013998, OMIM 614976.

Allele frequency attached by ClinVar (database versions not stated): gnomAD exomes 0.00110; ExAC 0.00364; 1000 Genomes Project 0.00439; gnomAD 0.00466 and 0.00506; TOPMed 0.00483.

Submissions (4):

Blueprint Genetics
Classification: Likely benign. Last evaluated: 2024-07-04. Review status: criteria provided, single submitter. Criteria: ACMG Guidelines, 2015. Collection method: clinical testing. Allele origin: germline.

GeneDx
Classification: Likely benign. Last evaluated: 2023-08-02. Review status: criteria provided, single submitter. Criteria: GeneDx Variant Classification Process June 2021. Collection method: clinical testing. Allele origin: germline. Affected: yes.
Comment: See Variant Classification Assertion Criteria.

Labcorp Genetics (formerly Invitae), Labcorp
Classification: Benign for Carpenter syndrome 2. Last evaluated: 2019-12-31. Review status: criteria provided, single submitter. Criteria: Invitae Variant Classification Sherloc (09022015). Collection method: clinical testing. Allele origin: germline.

Center for Pediatric Genomic Medicine, Children's Mercy Hospital and Clinics
Classification: Likely benign. Last evaluated: 2017-03-10. Review status: criteria provided, single submitter. Criteria: ACMG Guidelines, 2015. Collection method: clinical testing. Allele origin: germline.

NM_001271938.2(MEGF8):c.8467A>G (p.Ser2823Gly)

Gene: MEGF8 (multiple EGF like domains 8; plus strand). Cytogenetic location: 19q13.2.
Variant type: single nucleotide variant.
Coding change: c.8467A>G on transcript NM_001271938.2 (MANE Select); coding-DNA position 8467, A replaced by G.
Protein change: p.Ser2823Gly; replaces serine 2823 with glycine.
Molecular consequence: missense variant.
Genome position (GRCh38, 1-based): chr19:42,376,704, A>G. VCF-style: chr19-42376704-A-G. GRCh37 (hg19) VCF-style: chr19-42880856-A-G.
Other names: c.8266A>G, p.Ser2756Gly (NM_001410.3); short protein forms S2756G, S2823G.
Identifiers: ClinVar variation 445632 (VCV000445632.12), dbSNP rs537269414, ClinGen allele CA9476383.